The following is an entry in ClinVar:

ClinVar aggregate classification (germline): Uncertain significance (1 of 4 stars; one submission).

Allele frequency attached by ClinVar (database versions not stated): ExAC 0.00002; gnomAD 0.00004 and 0.00005; gnomAD exomes 0.00004 and 0.00006; TOPMed 0.00005; ESP Exome Variant Server 0.00008.
gnomAD v4.1: 95 of 1,613,182 alleles (0.0059%); highest among the groups gnomAD compares: Non-Finnish European, 0.0077%; no homozygotes.

Submission:

Labcorp Genetics (formerly Invitae), Labcorp
Classification: Uncertain significance. Last evaluated: 2022-08-09. Review status: criteria provided, single submitter. Criteria: Invitae Variant Classification Sherloc (09022015). Collection method: clinical testing. Allele origin: germline.
Comment: This sequence change replaces threonine, which is neutral and polar, with proline, which is neutral and non-polar, at codon 178 of the SLC26A4 protein (p.Thr178Pro). This variant is present in population databases (rs369429214, gnomAD 0.008%). This missense change has been observed in individual(s) with clinical features of Pendred syndrome (PMID: 21963424). ClinVar contains an entry for this variant (Variation ID: 1405534). Advanced modeling of protein sequence and biophysical properties (such as structural, functional, and spatial information, amino acid conservation, physicochemical variation, residue mobility, and thermodynamic stability) performed at Invitae indicates that this missense variant is not expected to disrupt SLC26A4 protein function. In summary, the available evidence is currently insufficient to determine the role of this variant in disease. Therefore, it has been classified as a Variant of Uncertain Significance.

Literature cited by the submitters: PubMed 21963424.

NM_000441.2(SLC26A4):c.532A>C (p.Thr178Pro)

Gene: SLC26A4 (solute carrier family 26 member 4; plus strand). Cytogenetic location: 7q22.3.
Variant type: single nucleotide variant.
Coding change: c.532A>C on transcript NM_000441.2 (MANE Select); coding-DNA position 532, A replaced by C.
Protein change: p.Thr178Pro; replaces threonine 178 with proline.
Molecular consequence: missense variant.
Genome position (GRCh38, 1-based): chr7:107,674,280, A>C. VCF-style: chr7-107674280-A-C. GRCh37 (hg19) VCF-style: chr7-107314725-A-C.
Other names: short protein forms T178P.
Identifiers: ClinVar variation 1405534 (VCV001405534.3), dbSNP rs369429214, ClinGen allele CA4432503.
Genomic context (GRCh38, chr7:107,674,280, plus strand): 5'-GACGAACACTTTCTCGTATCCAGCAGCAATGGAACTGTATTAAATACTACTATGATAGAC[A>C]CTGCAGCTAGAGATACAGCTAGAGTCCTGATTGCCAGTGCCCTGACTCTGCTGGTTGGAA-3'
Protein context (NP_000432.1, residues 168-188): GTVLNTTMID[Thr178Pro]AARDTARVLI